The following is an entry in ClinVar:

NM_004281.4(BAG3):c.600G>C (p.Gln200His)

Gene: BAG3 (BAG cochaperone 3; plus strand). Cytogenetic location: 10q26.11.
Variant type: single nucleotide variant.
Coding change: c.600G>C on transcript NM_004281.4 (MANE Select); coding-DNA position 600, G replaced by C.
Protein change: p.Gln200His; replaces glutamine 200 with histidine.
Molecular consequence: missense variant.
Genome position (GRCh38, 1-based): chr10:119,672,347, G>C. VCF-style: chr10-119672347-G-C. GRCh37 (hg19) VCF-style: chr10-121431859-G-C.
Other names: short protein forms Q200H.
Identifiers: ClinVar variation 1447916 (VCV001447916.6), dbSNP rs768201611, ClinGen allele CA5716377.

ClinVar aggregate classification (germline): Uncertain significance (1 of 4 stars; one submission).

Conditions:
Dilated cardiomyopathy 1HH (CMD1HH). Identifiers: Orphanet 154, MedGen C3151293, MONDO:0013479, OMIM 613881.
Myofibrillar myopathy 6. Identifiers: Orphanet 199340, MedGen C2751831, MONDO:0013061, OMIM 612954.

Allele frequency attached by ClinVar (database versions not stated): gnomAD exomes below 0.00001; ExAC 0.00001.
gnomAD v4.1: 1 of 1,614,086 alleles (0.000062%); highest among the groups gnomAD compares: East Asian, 0.0022%; no homozygotes.

Submission:

Labcorp Genetics (formerly Invitae), Labcorp
Classification: Uncertain significance for Dilated cardiomyopathy 1HH; Myofibrillar myopathy 6. Last evaluated: 2021-10-05. Review status: criteria provided, single submitter. Criteria: Invitae Variant Classification Sherloc (09022015). Collection method: clinical testing. Allele origin: germline.
Comment: This sequence change replaces glutamine with histidine at codon 200 of the BAG3 protein (p.Gln200His). The glutamine residue is moderately conserved and there is a small physicochemical difference between glutamine and histidine. In summary, the available evidence is currently insufficient to determine the role of this variant in disease. Therefore, it has been classified as a Variant of Uncertain Significance. Algorithms developed to predict the effect of missense changes on protein structure and function (SIFT, PolyPhen-2, Align-GVGD) all suggest that this variant is likely to be tolerated. This variant has not been reported in the literature in individuals affected with BAG3-related conditions. This variant is present in population databases (rs768201611, ExAC 0.01%).